The following is an entry in ClinVar:

ClinVar aggregate classification (germline): Likely benign. Review status: criteria provided, multiple submitters, no conflicts (2 of 4 stars). 6 submissions from 6 submitters: Likely benign (4). 2 of the submissions do not count toward it. Last evaluated 2026-04-21.

Conditions:
Hereditary nonpolyposis colorectal neoplasms. Identifiers: MedGen C0009405, MeSH D003123.
PMS2-related disorder. Also called: PMS2-related condition.

Allele frequency attached by ClinVar (database versions not stated): 1000 Genomes Project 30x 0.00016; 1000 Genomes Project 0.00020; ExAC 0.00022; ESP Exome Variant Server 0.00023; gnomAD exomes 0.00025 and 0.00073; TOPMed 0.00042; gnomAD 0.00046 and 0.00049.
gnomAD v4.1: 1,071 of 1,547,488 alleles (0.069%); highest among the groups gnomAD compares: Non-Finnish European, 0.09%; 2 homozygotes.

Submissions (6):

PreventionGenetics, part of Exact Sciences
Classification: Likely benign for PMS2-related condition. Last evaluated: 2026-04-21. Review status: criteria provided, single submitter. Criteria: ACMG Guidelines, 2015. Collection method: clinical testing. Allele origin: germline.
Comment: This variant is classified as likely benign based on ACMG/AMP sequence variant interpretation guidelines (Richards et al. 2015 PMID: 25741868, with internal and published modifications).

Center for Genomic Medicine, Rigshospitalet, Copenhagen University Hospital
Classification: Likely benign. Last evaluated: 2025-03-04. Review status: criteria provided, single submitter. Criteria: ACMG Guidelines, 2015. Collection method: clinical testing. Allele origin: germline.

Blueprint Genetics
Classification: Likely benign. Last evaluated: 2024-10-29. Review status: criteria provided, single submitter. Criteria: ACMG Guidelines, 2015. Collection method: clinical testing. Allele origin: germline.

Labcorp Genetics (formerly Invitae), Labcorp
Classification: Likely benign for Hereditary nonpolyposis colorectal neoplasms. Last evaluated: 2022-11-14. Review status: criteria provided, single submitter. Criteria: Invitae Variant Classification Sherloc (09022015). Collection method: clinical testing. Allele origin: germline.

Clinical Genetics DNA and cytogenetics Diagnostics Lab, Erasmus MC, Erasmus Medical Center
Classification: Likely benign. Review status: no assertion criteria provided. Collection method: clinical testing. Allele origin: germline. Affected: yes. Study: VKGL Data-share Consensus. Not counted in ClinVar's aggregate classification.

Joint Genome Diagnostic Labs from Nijmegen and Maastricht, Radboudumc and MUMC+
Classification: Likely benign. Review status: no assertion criteria provided. Collection method: clinical testing. Allele origin: germline. Affected: yes. Study: VKGL Data-share Consensus. Not counted in ClinVar's aggregate classification.

NM_000535.7(PMS2):c.354-34C>G

Gene: PMS2 (PMS1 homolog 2, mismatch repair system component; minus strand). Cytogenetic location: 7p22.1.
Variant type: single nucleotide variant.
Coding change: c.354-34C>G on transcript NM_000535.7 (MANE Select); 34 bases into the intron before coding-DNA position 354, C replaced by G.
Molecular consequence: intron variant. On other transcripts: nonsense (1).
Genome position (GRCh38, 1-based): chr7:6,002,670, G>C on the plus strand (C>G on the coding strand, the complement: PMS2 is on the minus strand). VCF-style: chr7-6002670-G-C. GRCh37 (hg19) VCF-style: chr7-6042301-G-C.
Other names: c.11C>G, p.Ser4Ter (NM_001322015.2); c.36-34C>G (NM_001322008.2, NM_001322007.2); c.-52-34C>G (NM_001322010.2, NM_001322004.2, NM_001322013.2 and 3 more transcripts); c.-531-34C>G (NM_001322012.2, NM_001322011.2); c.354-34C>G (NM_001322006.2, NM_001322014.2); c.11C>G (NM_001322015.1); short protein forms S4*.
Identifiers: ClinVar variation 1297491 (VCV001297491.18), dbSNP rs200029834, ClinGen allele CA049435.